The following is an entry in ClinVar:

ClinVar aggregate classification (germline): Uncertain significance (1 of 4 stars; one submission).

gnomAD v4.1: 147 of 1,607,130 alleles (0.0091%); highest among the groups gnomAD compares: Middle Eastern, 0.069%; no homozygotes.

Submission:

Labcorp Genetics (formerly Invitae), Labcorp
Classification: Uncertain significance. Last evaluated: 2025-06-24. Review status: criteria provided, single submitter. Criteria: Invitae Variant Classification Sherloc (09022015). Collection method: clinical testing. Allele origin: germline.
Comment: This sequence change falls in exon 15 of the ROBO1 gene. It does not directly change the encoded amino acid sequence of the ROBO1 protein. It affects a nucleotide within the consensus splice site. This variant is present in population databases (rs746209812, gnomAD 0.01%). This variant has not been reported in the literature in individuals affected with ROBO1-related conditions. ClinVar contains an entry for this variant (Variation ID: 3639349). Variants that disrupt the consensus splice site are a relatively common cause of aberrant splicing (PMID: 17576681, 9536098). Algorithms developed to predict the effect of sequence changes on RNA splicing suggest that this variant is not likely to affect RNA splicing. In summary, the available evidence is currently insufficient to determine the role of this variant in disease. Therefore, it has been classified as a Variant of Uncertain Significance.

Literature cited by the submitters: PubMed 17576681; PubMed 9536098.

NM_002941.4(ROBO1):c.2088A>G (p.Thr696=)

Gene: ROBO1 (roundabout guidance receptor 1; minus strand). Cytogenetic location: 3p12.3.
Variant type: single nucleotide variant.
Coding change: c.2088A>G on transcript NM_002941.4 (MANE Select); coding-DNA position 2088, A replaced by G.
Protein change: p.Thr696=; no amino-acid change (threonine 696 retained).
Molecular consequence: synonymous variant.
Genome position (GRCh38, 1-based): chr3:78,661,993, T>C on the plus strand (A>G on the coding strand, the complement: ROBO1 is on the minus strand). VCF-style: chr3-78661993-T-C. GRCh37 (hg19) VCF-style: chr3-78711143-T-C.
Other names: c.1980A>G, p.Thr660= (NM_001145845.2, NM_133631.4).
Identifiers: ClinVar variation 3639349 (VCV003639349.2).